The following is an entry in ClinVar:

NM_001369.3(DNAH5):c.12262C>T (p.Gln4088Ter)

Gene: DNAH5 (dynein axonemal heavy chain 5; minus strand). Cytogenetic location: 5p15.2.
Variant type: single nucleotide variant.
Coding change: c.12262C>T on transcript NM_001369.3 (MANE Select); coding-DNA position 12262, C replaced by T.
Protein change: p.Gln4088Ter; replaces glutamine 4088 with a stop codon.
Molecular consequence: nonsense.
Genome position (GRCh38, 1-based): chr5:13,721,017, G>A on the plus strand (C>T on the coding strand, the complement: DNAH5 is on the minus strand). VCF-style: chr5-13721017-G-A. GRCh37 (hg19) VCF-style: chr5-13721126-G-A.
Other names: short protein forms Q4088*.
Identifiers: ClinVar variation 2792757 (VCV002792757.3), dbSNP rs1245106080, ClinGen allele CA359213082.

ClinVar aggregate classification (germline): Pathogenic (1 of 4 stars; one submission).

Conditions:
Primary ciliary dyskinesia. Also called: Ciliary dyskinesia. Identifiers: Orphanet 244, MedGen C0008780, MONDO:0016575, HP:0012265.

Allele frequency attached by ClinVar (database versions not stated): gnomAD exomes below 0.00001.
gnomAD v4.1: 1 of 1,614,138 alleles (0.000062%); highest among the groups gnomAD compares: Non-Finnish European, 0.000085%; no homozygotes.

Submission:

Labcorp Genetics (formerly Invitae), Labcorp
Classification: Pathogenic for Primary ciliary dyskinesia. Last evaluated: 2023-01-28. Review status: criteria provided, single submitter. Criteria: Invitae Variant Classification Sherloc (09022015). Collection method: clinical testing. Allele origin: germline.
Comment: This sequence change creates a premature translational stop signal (p.Gln4088*) in the DNAH5 gene. It is expected to result in an absent or disrupted protein product. Loss-of-function variants in DNAH5 are known to be pathogenic (PMID: 11788826, 16627867). This variant is not present in population databases (gnomAD no frequency). This variant has not been reported in the literature in individuals affected with DNAH5-related conditions. For these reasons, this variant has been classified as Pathogenic.

Literature cited by the submitters: PubMed 11788826; PubMed 16627867.